The following is an entry in ClinVar:

ClinVar aggregate classification (germline): Likely benign (1 of 4 stars; one submission).

Allele frequency attached by ClinVar (database versions not stated): TOPMed below 0.00001.

Submission:

GeneDx
Classification: Likely benign. Last evaluated: 2015-04-20. Review status: criteria provided, single submitter. Criteria: GeneDx Variant Classification (06012015). Collection method: clinical testing. Allele origin: germline. Affected: yes.
Comment: This variant is considered likely benign or benign based on one or more of the following criteria: it is a conservative change, it occurs at a poorly conserved position in the protein, it is predicted to be benign by multiple in silico algorithms, and/or has population frequency not consistent with disease.

NM_001151.4(SLC25A4):c.12C>A (p.His4Gln)

Gene: SLC25A4 (solute carrier family 25 member 4; plus strand). Cytogenetic location: 4q35.1.
Variant type: single nucleotide variant.
Coding change: c.12C>A on transcript NM_001151.4 (MANE Select); coding-DNA position 12, C replaced by A.
Protein change: p.His4Gln; replaces histidine 4 with glutamine.
Molecular consequence: missense variant.
Genome position (GRCh38, 1-based): chr4:185,143,384, C>A. VCF-style: chr4-185143384-C-A. GRCh37 (hg19) VCF-style: chr4-186064538-C-A.
Other names: short protein forms H4Q.
Identifiers: ClinVar variation 379549 (VCV000379549.1), dbSNP rs1057520639, ClinGen allele CA16604720.